The following is an entry in ClinVar:

ClinVar aggregate classification (germline): Pathogenic (1 of 4 stars; one submission).

Submission:

Labcorp Genetics (formerly Invitae), Labcorp
Classification: Pathogenic. Last evaluated: 2022-11-03. Review status: criteria provided, single submitter. Criteria: Invitae Variant Classification Sherloc (09022015). Collection method: clinical testing. Allele origin: germline.
Comment: For these reasons, this variant has been classified as Pathogenic. This variant has not been reported in the literature in individuals affected with AVPR2-related conditions. This variant results in the deletion of exon 1 and part of exon 2 (c.-3864_40del) of the AVPR2 gene. It is expected to result in an absent or disrupted protein product. Loss-of-function variants in AVPR2 are known to be pathogenic (PMID: 8037205, 10820168).

Literature cited by the submitters: PubMed 8037205; PubMed 10820168.

NC_000023.10:g.(?_153166735)_(153170999_?)del

Gene: AVPR2 (arginine vasopressin receptor 2; plus strand). Cytogenetic location: Xq28.
Variant type: Deletion.
Identifiers: ClinVar variation 2422254 (VCV002422254.4).